The following is an entry in ClinVar:

ClinVar aggregate classification (germline): Likely benign. Review status: criteria provided, multiple submitters, no conflicts (2 of 4 stars). 3 submissions from 3 submitters: Likely benign (3). Last evaluated 2026-01-20.

Conditions:
PEX3-related disorder. Also called: PEX3-related condition.

Allele frequency attached by ClinVar (database versions not stated): gnomAD 0.00001 and 0.00002; TOPMed 0.00002; gnomAD exomes 0.00004; ExAC 0.00007.

Submissions (3):

Labcorp Genetics (formerly Invitae), Labcorp
Classification: Likely benign. Last evaluated: 2026-01-20. Review status: criteria provided, single submitter. Criteria: Invitae Variant Classification Sherloc (09022015). Collection method: clinical testing. Allele origin: germline.

PreventionGenetics, part of Exact Sciences
Classification: Likely benign for PEX3-related condition. Last evaluated: 2025-10-19. Review status: criteria provided, single submitter. Criteria: ACMG Guidelines, 2015. Collection method: clinical testing. Allele origin: germline.
Comment: This variant is classified as likely benign based on ACMG/AMP sequence variant interpretation guidelines (Richards et al. 2015 PMID: 25741868, with internal and published modifications).

Blueprint Genetics
Classification: Likely benign. Last evaluated: 2021-11-18. Review status: criteria provided, single submitter. Criteria: ACMG Guidelines, 2015. Collection method: clinical testing. Allele origin: germline.

NM_003630.3(PEX3):c.57G>C (p.Leu19=)

Gene: PEX3 (peroxisomal biogenesis factor 3; plus strand). Cytogenetic location: 6q24.2.
Variant type: single nucleotide variant.
Coding change: c.57G>C on transcript NM_003630.3 (MANE Select); coding-DNA position 57, G replaced by C.
Protein change: p.Leu19=; no amino-acid change (leucine 19 retained).
Molecular consequence: synonymous variant.
Genome position (GRCh38, 1-based): chr6:143,451,099, G>C. VCF-style: chr6-143451099-G-C. GRCh37 (hg19) VCF-style: chr6-143772236-G-C.
Other names: c.57G>C (NM_003630.2).
Identifiers: ClinVar variation 1085293 (VCV001085293.12), dbSNP rs764053710, ClinGen allele CA4029432.
Genomic context (GRCh38, chr6:143,451,099, plus strand): 5'-AAAGATGCTGAGGTCTGTATGGAATTTTCTGAAACGCCACAAAAAGAAATGCATCTTCCT[G>C]GGCACGGTCCTTGGAGGTGGGTGACAACGTGCTTGAAAGGGGGCATTGGGAGAAGGGGGT-3'
Protein context (NP_003621.1, residues 9-29): LKRHKKKCIF[Leu19=]GTVLGGVYIL